The following is an entry in ClinVar:

ClinVar aggregate classification (germline): Benign/Likely benign. Review status: criteria provided, multiple submitters, no conflicts (2 of 4 stars). 16 submissions from 14 submitters: Benign (12); Likely benign (1). 3 of the submissions do not count toward it. Last evaluated 2026-02-04.

Conditions:
Dystonia 27 (DYT27). Identifiers: Orphanet 464440, MedGen C4225336, MONDO:0014627, OMIM 616411.
Collagen 6-related myopathy. Identifiers: MedGen CN117976, MONDO:0100225.
Ullrich congenital muscular dystrophy 1A. Also called: Intermediate COL6-RD; Ullrich congenital muscular dystrophy 1. Identifiers: Orphanet 75840, MedGen C0410179, MONDO:0009681, OMIM 254090.
Bethlem myopathy 1A. Also called: MYOPATHY, BENIGN CONGENITAL, WITH CONTRACTURES; Bethlem Muscular Dystrophy; Bethlem myopathy 1. Identifiers: Orphanet 610, MedGen CN029274, MONDO:0024530, OMIM 158810.

Allele frequency attached by ClinVar (database versions not stated): 1000 Genomes Project 30x 0.33588; 1000 Genomes Project 0.34245; TOPMed 0.35751; ESP Exome Variant Server 0.36783; gnomAD 0.38748; gnomAD exomes 0.39648 and 0.40211; ExAC 0.39875.

Submissions (16):

Labcorp Genetics (formerly Invitae), Labcorp
Classification: Benign for Bethlem myopathy 1A. Last evaluated: 2026-02-04. Review status: criteria provided, single submitter. Criteria: Invitae Variant Classification Sherloc (09022015). Collection method: clinical testing. Allele origin: germline.

Blueprint Genetics
Classification: Likely benign. Last evaluated: 2024-11-26. Review status: criteria provided, single submitter. Criteria: ACMG Guidelines, 2015. Collection method: clinical testing. Allele origin: germline.

Unidad de Genómica Garrahan, Hospital de Pediatría Garrahan
Classification: Benign. Last evaluated: 2024-07-31. Review status: criteria provided, single submitter. Criteria: ACMG Guidelines, 2015. Collection method: clinical testing. Allele origin: germline. Affected: no. Observed: 46 variant alleles.
Comment: This variant is classified as Benign based on local population frequency. This variant was detected in 49% of patients studied in a panel designed for Epileptic and Developmental Encephalopathy, Progressive Myoclonus Epilepsy and Abnormal Movements and Neurodegeneration with brain iron accumulation. Number of patients: 46. Only high quality variants are reported.

Genome-Nilou Lab
Classification: Benign for Bethlem myopathy 1A. Last evaluated: 2021-07-30. Review status: criteria provided, single submitter. Criteria: ACMG Guidelines, 2015. Collection method: clinical testing. Allele origin: germline. Affected: no.

Genome-Nilou Lab
Classification: Benign for Dystonia 27. Last evaluated: 2021-07-30. Review status: criteria provided, single submitter. Criteria: ACMG Guidelines, 2015. Collection method: clinical testing. Allele origin: germline. Affected: no.

Genome-Nilou Lab
Classification: Benign for Ullrich congenital muscular dystrophy 1A. Last evaluated: 2021-07-30. Review status: criteria provided, single submitter. Criteria: ACMG Guidelines, 2015. Collection method: clinical testing. Allele origin: germline. Affected: no.

Illumina Laboratory Services, Illumina
Classification: Benign for Collagen VI-related myopathy. Last evaluated: 2018-01-13. Review status: criteria provided, single submitter. Criteria: ICSL Variant Classification Criteria 13 December 2019. Collection method: clinical testing. Allele origin: germline.
Comment: This variant was observed in the ICSL laboratory as part of a predisposition screen in an ostensibly healthy population. It had not been previously curated by ICSL or reported in the Human Gene Mutation Database (HGMD: prior to June 1st, 2018), and was therefore a candidate for classification through an automated scoring system. Utilizing variant allele frequency, disease prevalence and penetrance estimates, and inheritance mode, an automated score was calculated to assess if this variant is too frequent to cause the disease. Based on the score and internal cut-off values, a variant classified as benign is not then subjected to further curation. The score for this variant resulted in a classification of benign for this disease.

Mayo Clinic Laboratories, Mayo Clinic
Classification: Benign. Last evaluated: 2017-08-21. Review status: criteria provided, single submitter. Criteria: ACMG Guidelines, 2015. Collection method: clinical testing. Allele origin: germline. Observed: 483 variant alleles.

GeneDx
Classification: Benign. Last evaluated: 2016-01-25. Review status: criteria provided, single submitter. Criteria: GeneDx Variant Classification (06012015). Collection method: clinical testing. Allele origin: germline. Affected: yes.
Comment: This variant is considered likely benign or benign based on one or more of the following criteria: it is a conservative change, it occurs at a poorly conserved position in the protein, it is predicted to be benign by multiple in silico algorithms, and/or has population frequency not consistent with disease.

Genetic Services Laboratory, University of Chicago
Classification: Benign for AllHighlyPenetrant. Last evaluated: 2013-08-15. Review status: criteria provided, single submitter. Criteria: ACMG Guidelines, 2007. Collection method: clinical testing. Allele origin: germline.

Eurofins Ntd Llc (ga)
Classification: Benign. Last evaluated: 2012-07-09. Review status: criteria provided, single submitter. Criteria: EGL Classification Definitions 2015. Collection method: clinical testing. Allele origin: germline. Observed: 59 variant alleles, 44 heterozygotes, 15 homozygotes.

Breakthrough Genomics
Classification: Benign. Review status: criteria provided, single submitter. Criteria: ACMG Guidelines, 2015. Collection method: not provided. Allele origin: germline. Inheritance: Autosomal recessive inheritance. Affected: yes.

PreventionGenetics, part of Exact Sciences
Classification: Benign. Review status: criteria provided, single submitter. Criteria: ACMG Guidelines, 2015. Collection method: clinical testing. Allele origin: germline.

Clinical Genetics, Academic Medical Center
Classification: Benign. Review status: no assertion criteria provided. Collection method: clinical testing. Allele origin: germline. Affected: yes. Study: VKGL Data-share Consensus. Not counted in ClinVar's aggregate classification.

Diagnostic Laboratory, Department of Genetics, University Medical Center Groningen
Classification: Benign. Review status: no assertion criteria provided. Collection method: clinical testing. Allele origin: germline. Affected: yes. Study: VKGL Data-share Consensus. Not counted in ClinVar's aggregate classification.

Joint Genome Diagnostic Labs from Nijmegen and Maastricht, Radboudumc and MUMC+
Classification: Benign. Review status: no assertion criteria provided. Collection method: clinical testing. Allele origin: germline. Affected: yes. Study: VKGL Data-share Consensus. Not counted in ClinVar's aggregate classification.

NM_004369.4(COL6A3):c.7929G>A (p.Ala2643=)

Gene: COL6A3 (collagen type VI alpha 3 chain; minus strand). Cytogenetic location: 2q37.3.
Variant type: single nucleotide variant.
Coding change: c.7929G>A on transcript NM_004369.4 (MANE Select); coding-DNA position 7929, G replaced by A.
Protein change: p.Ala2643=; no amino-acid change (alanine 2643 retained).
Molecular consequence: synonymous variant.
Genome position (GRCh38, 1-based): chr2:237,340,987, C>T on the plus strand (G>A on the coding strand, the complement: COL6A3 is on the minus strand). VCF-style: chr2-237340987-C-T. GRCh37 (hg19) VCF-style: chr2-238249630-C-T.
Other names: p.Ala2643=; c.6108G>A, p.Ala2036= (NM_057166.5); c.7311G>A, p.Ala2437= (NM_057167.4).
Identifiers: ClinVar variation 94998 (VCV000094998.35), dbSNP rs4433949, ClinGen allele CA148050.